The following is an entry in ClinVar:

NM_052867.4(NALCN):c.217A>T (p.Thr73Ser)

Gene: NALCN (sodium leak channel, non-selective; minus strand). Cytogenetic location: 13q33.1.
Variant type: single nucleotide variant.
Coding change: c.217A>T on transcript NM_052867.4 (MANE Select); coding-DNA position 217, A replaced by T.
Protein change: p.Thr73Ser; replaces threonine 73 with serine.
Molecular consequence: missense variant.
Genome position (GRCh38, 1-based): chr13:101,395,257, T>A on the plus strand (A>T on the coding strand, the complement: NALCN is on the minus strand). VCF-style: chr13-101395257-T-A. GRCh37 (hg19) VCF-style: chr13-102047608-T-A.
Other names: c.217A>T, p.Thr73Ser (NM_001350748.2, NM_001350749.2, NM_001350750.2 and 1 more transcripts); short protein forms T73S.
Identifiers: ClinVar variation 1032349 (VCV001032349.1), dbSNP rs2047255885, ClinGen allele CA388706936.

ClinVar aggregate classification (germline): Uncertain significance (1 of 4 stars; one submission).

Conditions:
Congenital contractures of the limbs and face, hypotonia, and developmental delay (CLIFAHDD). Identifiers: Orphanet 562528, MedGen C4225398, MONDO:0014556, OMIM 616266.

gnomAD v4.1: 1 of 1,614,040 alleles (0.000062%); highest among the groups gnomAD compares: Non-Finnish European, 0.000085%; no homozygotes.

Submission:

Baylor Genetics
Classification: Uncertain significance for Congenital contractures of the limbs and face, hypotonia, and developmental delay. Last evaluated: 2018-02-21. Review status: criteria provided, single submitter. Criteria: ACMG Guidelines, 2015. Collection method: clinical testing. Allele origin: maternal. Affected: yes.
Comment: This variant was determined to be of uncertain significance according to ACMG Guidelines, 2015 [PMID:25741868].